The following is an entry in ClinVar:

NM_000264.5(PTCH1):c.4123G>T (p.Ala1375Ser)

Gene: PTCH1 (patched 1; minus strand). Cytogenetic location: 9q22.32.
Variant type: single nucleotide variant.
Coding change: c.4123G>T on transcript NM_000264.5 (MANE Select); coding-DNA position 4123, G replaced by T.
Protein change: p.Ala1375Ser; replaces alanine 1375 with serine.
Molecular consequence: missense variant. On other transcripts: non-coding transcript variant (1).
Genome position (GRCh38, 1-based): chr9:95,447,133, C>A on the plus strand (G>T on the coding strand, the complement: PTCH1 is on the minus strand). VCF-style: chr9-95447133-C-A. GRCh37 (hg19) VCF-style: chr9-98209415-C-A.
Other names: c.3925G>T, p.Ala1309Ser (NM_001083602.3); c.4120G>T, p.Ala1374Ser (NM_001083603.3); c.3670G>T, p.Ala1224Ser (NM_001083604.3, NM_001083605.3, NM_001083606.3 and 1 more transcripts); c.3967G>T, p.Ala1323Ser (NM_001354918.2); c.4123G>T (NM_000264.4); short protein forms A1375S, A1309S, A1224S, A1323S, A1374S.
Identifiers: ClinVar variation 453881 (VCV000453881.11), dbSNP rs769022340, ClinGen allele CA5137950.

ClinVar aggregate classification (germline): Uncertain significance. Review status: criteria provided, multiple submitters, no conflicts (2 of 4 stars). 3 submissions from 3 submitters: Uncertain significance (3). Last evaluated 2025-07-30.

Conditions:
Hereditary cancer-predisposing syndrome. Also called: Tumor predisposition; Hereditary Cancer Syndrome; Neoplastic Syndromes, Hereditary; Hereditary neoplastic syndrome. Identifiers: Orphanet 140162, MedGen C0027672, MeSH D009386, MONDO:0015356.
Gorlin syndrome. Also called: Basal cell nevus syndrome; Nevoid Basal Cell Carcinoma Syndrome. Identifiers: Orphanet 377, MedGen C0004779, MONDO:0007187.

Allele frequency attached by ClinVar (database versions not stated): ExAC 0.00001.

Submissions (3):

Quest Diagnostics Nichols Institute San Juan Capistrano
Classification: Uncertain significance. Last evaluated: 2025-07-30. Review status: criteria provided, single submitter. Criteria: Quest Diagnostics criteria. Collection method: clinical testing. Allele origin: unknown.
Comment: The PTCH1 c.4123G>T (p.Ala1375Ser) variant has not been reported in individuals with PTCH1-related conditions in the published literature. The frequency of this variant in the general population (Genome Aggregation Database) is uninformative in the assessment of its pathogenicity. Analysis of this variant using bioinformatics tools for the prediction of the effect of amino acid changes on protein structure and function yielded predictions that this variant is benign. Based on the available information, we are unable to determine the clinical significance of this variant.

Ambry Genetics
Classification: Uncertain significance for Hereditary cancer-predisposing syndrome. Last evaluated: 2024-02-18. Review status: criteria provided, single submitter. Criteria: Ambry Variant Classification Scheme 2023. Collection method: clinical testing. Allele origin: germline.
Comment: The p.A1375S variant (also known as c.4123G>T), located in coding exon 23 of the PTCH1 gene, results from a G to T substitution at nucleotide position 4123. The alanine at codon 1375 is replaced by serine, an amino acid with similar properties. This amino acid position is conserved. In addition, the in silico prediction for this alteration is inconclusive. Based on the available evidence, the clinical significance of this alteration remains unclear.

Labcorp Genetics (formerly Invitae), Labcorp
Classification: Uncertain significance for Gorlin syndrome. Last evaluated: 2017-04-24. Review status: criteria provided, single submitter. Criteria: Invitae Variant Classification Sherloc (09022015). Collection method: clinical testing. Allele origin: germline.
Comment: In summary, this variant is a rare missense change with uncertain impact on protein function. There is no indication that it causes disease, but the available evidence is currently insufficient to prove that conclusively. Therefore, it has been classified as a Variant of Uncertain Significance. Algorithms developed to predict the effect of missense changes on protein structure and function do not agree on the potential impact of this missense change (SIFT: "Deleterious"; PolyPhen-2: "Probably Damaging"; Align-GVGD: "Class C0"). This variant is present in population databases (rs769022340, ExAC 0.01%) but has not been reported in the literature in individuals with a PTCH1-related disease. This sequence change replaces alanine with serine at codon 1375 of the PTCH1 protein (p.Ala1375Ser). The alanine residue is moderately conserved and there is a moderate physicochemical difference between alanine and serine.